The following is an entry in ClinVar:

NM_001267550.2(TTN):c.65446C>T (p.Gln21816Ter)

Genes: TTN-AS1 (TTN antisense RNA 1; plus strand), TTN (titin; minus strand). Cytogenetic location: 2q31.2.
Variant type: single nucleotide variant.
Coding change: c.65446C>T on transcript NM_001267550.2 (MANE Select); coding-DNA position 65446, C replaced by T.
Protein change: p.Gln21816Ter; replaces glutamine 21816 with a stop codon.
Molecular consequence: nonsense. On other transcripts: non-coding transcript variant (1).
Genome position (GRCh38, 1-based): chr2:178,583,736, G>A on the plus strand (C>T on the coding strand, the complement: TTN is on the minus strand). VCF-style: chr2-178583736-G-A. GRCh37 (hg19) VCF-style: chr2-179448463-G-A.
Other names: c.60523C>T, p.Gln20175Ter (NM_001256850.1); c.38251C>T, p.Gln12751Ter (NM_003319.4); c.57742C>T, p.Gln19248Ter (NM_133378.4); c.38626C>T, p.Gln12876Ter (NM_133432.3); c.38827C>T, p.Gln12943Ter (NM_133437.4); short protein forms Q19248*, Q20175*, Q21816*, Q12751*, Q12943*, Q12876*.
Identifiers: ClinVar variation 4783859 (VCV004783859.1).

ClinVar aggregate classification (germline): Likely pathogenic (1 of 4 stars; one submission).

Conditions:
Dilated cardiomyopathy 1G (CMD1G). Identifiers: Orphanet 154, MedGen C1858763, MONDO:0011400, OMIM 604145.
Autosomal recessive limb-girdle muscular dystrophy type 2J (LGMDR10). Also called: Limb-girdle muscular dystrophy, type 2J; MUSCULAR DYSTROPHY, LIMB-GIRDLE, AUTOSOMAL RECESSIVE 10. Identifiers: Orphanet 140922, MedGen C1837342, MONDO:0012127, OMIM 608807.

Submission:

Labcorp Genetics (formerly Invitae), Labcorp
Classification: Likely pathogenic for Dilated cardiomyopathy 1G; Autosomal recessive limb-girdle muscular dystrophy type 2J. Last evaluated: 2026-01-04. Review status: criteria provided, single submitter. Criteria: Invitae Variant Classification Sherloc (09022015). Collection method: clinical testing. Allele origin: germline.
Comment: This sequence change creates a premature translational stop signal (p.Gln21816*) in the TTN gene. While this is not anticipated to result in nonsense mediated decay, it is expected to create a truncated TTN protein. This variant is not present in population databases (gnomAD no frequency). This premature translational stop signal has been observed in individual(s) with dilated cardiomyopathy (PMID: 35653365). This variant is located in the A band of TTN (PMID: 25589632). Truncating variants in this region are significantly overrepresented in patients affected with dilated cardiomyopathy (PMID: 25589632). Truncating variants in this region have also been reported in individuals affected with autosomal recessive centronuclear myopathy (PMID: 23975875). In summary, the currently available evidence indicates that the variant is pathogenic, but additional data are needed to prove that conclusively. Therefore, this variant has been classified as Likely Pathogenic.

Literature cited by the submitters: PubMed 35653365; PubMed 25589632; PubMed 23975875.